The following is an entry in ClinVar:

ClinVar aggregate classification (germline): Uncertain significance (1 of 4 stars; one submission).

Conditions:
EP300-related disorder. Also called: EP300-related condition; EP300-related disorders.

gnomAD v4.1: 30 of 1,614,046 alleles (0.0019%); highest among the groups gnomAD compares: African/African-American, 0.0067%; no homozygotes.

Submission:

PreventionGenetics, part of Exact Sciences
Classification: Uncertain significance for EP300-related condition. Last evaluated: 2025-05-22. Review status: criteria provided, single submitter. Criteria: ACMG Guidelines, 2015. Collection method: clinical testing. Allele origin: germline.
Comment: The EP300 c.146A>G variant is predicted to result in the amino acid substitution p.Asn49Ser. To our knowledge, this variant has not been reported in the literature. This variant is reported in 0.012% of alleles in individuals of African descent in gnomAD. At this time, the clinical significance of this variant is uncertain due to the absence of conclusive functional and genetic evidence.

NM_001429.4(EP300):c.146A>G (p.Asn49Ser)

Gene: EP300 (EP300 lysine acetyltransferase; plus strand). Cytogenetic location: 22q13.2.
Variant type: single nucleotide variant.
Coding change: c.146A>G on transcript NM_001429.4 (MANE Select); coding-DNA position 146, A replaced by G.
Protein change: p.Asn49Ser; replaces asparagine 49 with serine.
Molecular consequence: missense variant.
Genome position (GRCh38, 1-based): chr22:41,117,238, A>G. VCF-style: chr22-41117238-A-G. GRCh37 (hg19) VCF-style: chr22-41513242-A-G.
Other names: c.146A>G, p.Asn49Ser (NM_001362843.2); short protein forms N49S.
Identifiers: ClinVar variation 4988415 (VCV004988415.1).